The following is an entry in ClinVar:

ClinVar aggregate classification (germline): Uncertain significance. Review status: criteria provided, multiple submitters, no conflicts (2 of 4 stars). 2 submissions from 2 submitters: Uncertain significance (2). Last evaluated 2025-10-15.

Allele frequency attached by ClinVar (database versions not stated): gnomAD exomes below 0.00001; gnomAD 0.00001.
gnomAD v4.1: 7 of 1,614,034 alleles (0.00043%); highest among the groups gnomAD compares: South Asian, 0.0011%; no homozygotes.

Submissions (2):

Ambry Genetics
Classification: Uncertain significance. Last evaluated: 2025-10-15. Review status: criteria provided, single submitter. Criteria: Ambry Variant Classification Scheme 2023. Collection method: clinical testing. Allele origin: germline.
Comment: The p.R137K variant (also known as c.410G>A), located in coding exon 2 of the GALNT12 gene, results from a G to A substitution at nucleotide position 410. The arginine at codon 137 is replaced by lysine, an amino acid with highly similar properties. This amino acid position is poorly conserved in available vertebrate species. In addition, this alteration is predicted to be tolerated by in silico analysis. Since supporting evidence is limited at this time, the clinical significance of this alteration remains unclear.

Labcorp Genetics (formerly Invitae), Labcorp
Classification: Uncertain significance. Last evaluated: 2021-09-01. Review status: criteria provided, single submitter. Criteria: Invitae Variant Classification Sherloc (09022015). Collection method: clinical testing. Allele origin: germline.
Comment: In summary, the available evidence is currently insufficient to determine the role of this variant in disease. Therefore, it has been classified as a Variant of Uncertain Significance. Algorithms developed to predict the effect of missense changes on protein structure and function output the following: SIFT: "Tolerated"; PolyPhen-2: "Benign"; Align-GVGD: "Class C0". The lysine amino acid residue is found in multiple mammalian species, which suggests that this missense change does not adversely affect protein function. ClinVar contains an entry for this variant (Variation ID: 485688). This variant has not been reported in the literature in individuals affected with GALNT12-related conditions. This variant is not present in population databases (ExAC no frequency). This sequence change replaces arginine with lysine at codon 137 of the GALNT12 protein (p.Arg137Lys). The arginine residue is weakly conserved and there is a small physicochemical difference between arginine and lysine.

NM_024642.5(GALNT12):c.410G>A (p.Arg137Lys)

Gene: GALNT12 (polypeptide N-acetylgalactosaminyltransferase 12; plus strand). Cytogenetic location: 9q22.33.
Variant type: single nucleotide variant.
Coding change: c.410G>A on transcript NM_024642.5 (MANE Select); coding-DNA position 410, G replaced by A.
Protein change: p.Arg137Lys; replaces arginine 137 with lysine.
Molecular consequence: missense variant.
Genome position (GRCh38, 1-based): chr9:98,823,294, G>A. VCF-style: chr9-98823294-G-A. GRCh37 (hg19) VCF-style: chr9-101585576-G-A.
Other names: short protein forms R137K.
Identifiers: ClinVar variation 485688 (VCV000485688.12), dbSNP rs1554755060, ClinGen allele CA374216590.